The following is an entry in ClinVar:

NM_000540.3(RYR1):c.4758G>A (p.Pro1586=)

Gene: RYR1 (ryanodine receptor 1; plus strand). Cytogenetic location: 19q13.2.
Variant type: single nucleotide variant.
Coding change: c.4758G>A on transcript NM_000540.3 (MANE Select); coding-DNA position 4758, G replaced by A.
Protein change: p.Pro1586=; no amino-acid change (proline 1586 retained).
Molecular consequence: synonymous variant.
Genome position (GRCh38, 1-based): chr19:38,483,340, G>A. VCF-style: chr19-38483340-G-A. GRCh37 (hg19) VCF-style: chr19-38973980-G-A.
Other names: c.4758G>A, p.Pro1586= (NM_001042723.2).
Identifiers: ClinVar variation 256518 (VCV000256518.27), dbSNP rs374222028, ClinGen allele CA066426.

ClinVar aggregate classification (germline): Benign/Likely benign. Review status: criteria provided, multiple submitters, no conflicts (2 of 4 stars). 9 submissions from 8 submitters: Benign (6); Likely benign (2). 1 of the submissions does not count toward it. Last evaluated 2026-01-26.

Conditions:
RYR1-related disorder. Also called: RYR1-related condition; RYR1-related disorders. Identifiers: MedGen CN239331.
Malignant hyperthermia, susceptibility to, 1 (MHS1). Also called: RYR1-Related Malignant Hyperthermia Susceptibility; Anesthesia related hyperthermia; Malignant hyperpyrexia; Fulminating hyperpyrexia; Pharmacogenic myopathy; Malignant hyperthermia suceptibility 1. Identifiers: Orphanet 423, MedGen C2930980, MONDO:0007783, OMIM 145600.
Congenital multicore myopathy with external ophthalmoplegia (CMYO1B). Also called: Congenital myopathy 1B, autosomal recessive; Minicore myopathy; MULTICORE MYOPATHY; Minicore myopathy with external ophthalmoplegia; MULTIMINICORE DISEASE WITH EXTERNAL OPHTHALMOPLEGIA. Identifiers: Orphanet 598, Orphanet 98905, MedGen C1850674, MONDO:0009712, OMIM 255320, HP:0003789.

Allele frequency attached by ClinVar (database versions not stated): gnomAD 0.00010 and 0.00074; TOPMed 0.00019; ESP Exome Variant Server 0.00031; gnomAD exomes 0.00234; 1000 Genomes Project 0.00479; 1000 Genomes Project 30x 0.00547; ExAC 0.00718.
gnomAD v4.1: 1,664 of 1,560,598 alleles (0.11%); highest among the groups gnomAD compares: South Asian, 1.6%; 21 homozygotes.

Submissions (9):

Labcorp Genetics (formerly Invitae), Labcorp
Classification: Benign for RYR1-related disorder. Last evaluated: 2026-01-26. Review status: criteria provided, single submitter. Criteria: Invitae Variant Classification Sherloc (09022015). Collection method: clinical testing. Allele origin: germline.

Blueprint Genetics
Classification: Likely benign. Last evaluated: 2024-07-09. Review status: criteria provided, single submitter. Criteria: ACMG Guidelines, 2015. Collection method: clinical testing. Allele origin: germline.

All of Us Research Program, National Institutes of Health
Classification: Benign for Malignant hyperthermia, susceptibility to, 1. Last evaluated: 2024-02-05. Review status: criteria provided, single submitter. Criteria: ACMG Guidelines, 2015. Collection method: clinical testing. Allele origin: germline. Inheritance: Autosomal dominant inheritance. Observed: 76 variant alleles, 76 heterozygotes.
Comment: This study involves interpretation of variants in research participants for the purpose of population health screening. Participant phenotype was not available at the time of variant classification. Additional details can be found in publication PMID: 35346344, PMCID: PMC8962531

Color Diagnostics, LLC DBA Color Health
Classification: Benign for Malignant hyperthermia, susceptibility to, 1. Last evaluated: 2022-09-16. Review status: criteria provided, single submitter. Criteria: ACMG Guidelines, 2015. Collection method: clinical testing. Allele origin: germline.

GeneDx
Classification: Benign. Last evaluated: 2018-08-16. Review status: criteria provided, single submitter. Criteria: GeneDx Variant Classification Process June 2021. Collection method: clinical testing. Allele origin: germline. Affected: yes.

Illumina Laboratory Services, Illumina
Classification: Benign for Malignant hyperthermia, susceptibility to, 1. Last evaluated: 2018-01-12. Review status: criteria provided, single submitter. Criteria: ICSL Variant Classification Criteria 13 December 2019. Collection method: clinical testing. Allele origin: germline.
Comment: This variant was observed in the ICSL laboratory as part of a predisposition screen in an ostensibly healthy population. It had not been previously curated by ICSL or reported in the Human Gene Mutation Database (HGMD: prior to June 1st, 2018), and was therefore a candidate for classification through an automated scoring system. Utilizing variant allele frequency, disease prevalence and penetrance estimates, and inheritance mode, an automated score was calculated to assess if this variant is too frequent to cause the disease. Based on the score and internal cut-off values, a variant classified as benign is not then subjected to further curation. The score for this variant resulted in a classification of benign for this disease.

Illumina Laboratory Services, Illumina
Classification: Benign for Congenital multicore myopathy with external ophthalmoplegia. Last evaluated: 2018-01-12. Review status: criteria provided, single submitter. Criteria: ICSL Variant Classification Criteria 13 December 2019. Collection method: clinical testing. Allele origin: germline.
Comment: the same text as in the submission from Illumina Laboratory Services, Illumina above.

Breakthrough Genomics
Classification: Likely benign. Review status: criteria provided, single submitter. Criteria: ACMG Guidelines, 2015. Collection method: not provided. Allele origin: germline. Inheritance: Autosomal recessive inheritance. Affected: yes.

PreventionGenetics, part of Exact Sciences
Classification: Likely benign for RYR1-related condition. Last evaluated: 2019-05-07. Review status: no assertion criteria provided. Collection method: clinical testing. Allele origin: germline. Not counted in ClinVar's aggregate classification.
Comment: This variant is classified as likely benign based on ACMG/AMP sequence variant interpretation guidelines (Richards et al. 2015 PMID: 25741868, with internal and published modifications).